The following is an entry in ClinVar:

NM_018112.3(TMEM38B):c.38C>T (p.Ser13Phe)

Gene: TMEM38B (transmembrane protein 38B; plus strand). Cytogenetic location: 9q31.2.
Variant type: single nucleotide variant.
Coding change: c.38C>T on transcript NM_018112.3 (MANE Select); coding-DNA position 38, C replaced by T.
Protein change: p.Ser13Phe; replaces serine 13 with phenylalanine.
Molecular consequence: missense variant.
Genome position (GRCh38, 1-based): chr9:105,694,698, C>T. VCF-style: chr9-105694698-C-T. GRCh37 (hg19) VCF-style: chr9-108456979-C-T.
Other names: c.38C>T (NM_018112.1); short protein forms S13F.
Identifiers: ClinVar variation 1501511 (VCV001501511.4), dbSNP rs746126399, ClinGen allele CA5170752.
Genomic context (GRCh38, chr9:105,694,698, plus strand): 5'-GGTTGCCGCGGTCGGTGGTCGTTATGGATTCTCCATGGGACGAGTTGGCTCTGGCCTTCT[C>T]CCGCACGTCCATGTTTCCCTTTTTTGACATCGCGCACTATCTAGTGTCAGTGATGGCGGT-3'
Protein context (NP_060582.1, residues 3-23): SPWDELALAF[Ser13Phe]RTSMFPFFDI

ClinVar aggregate classification (germline): Uncertain significance. Review status: criteria provided, multiple submitters, no conflicts (2 of 4 stars). 2 submissions from 2 submitters: Uncertain significance (2). Last evaluated 2024-05-28.

Conditions:
Inborn genetic diseases. Identifiers: MedGen C0950123, MeSH D030342.

Allele frequency attached by ClinVar (database versions not stated): TOPMed 0.00001; gnomAD 0.00002.
gnomAD v4.1: 14 of 1,613,926 alleles (0.00087%); highest among the groups gnomAD compares: East Asian, 0.027%; no homozygotes.

Submissions (2):

Ambry Genetics
Classification: Uncertain significance for Inborn genetic diseases. Last evaluated: 2024-05-28. Review status: criteria provided, single submitter. Criteria: Ambry Variant Classification Scheme 2023. Collection method: clinical testing. Allele origin: germline.

Labcorp Genetics (formerly Invitae), Labcorp
Classification: Uncertain significance. Last evaluated: 2021-12-29. Review status: criteria provided, single submitter. Criteria: Invitae Variant Classification Sherloc (09022015). Collection method: clinical testing. Allele origin: germline.
Comment: This sequence change replaces serine, which is neutral and polar, with phenylalanine, which is neutral and non-polar, at codon 13 of the TMEM38B protein (p.Ser13Phe). This variant is present in population databases (rs746126399, gnomAD 0.1%). This variant has not been reported in the literature in individuals affected with TMEM38B-related conditions. Algorithms developed to predict the effect of missense changes on protein structure and function are either unavailable or do not agree on the potential impact of this missense change (SIFT: "Tolerated"; PolyPhen-2: "Possibly Damaging"; Align-GVGD: "Class C0"). In summary, the available evidence is currently insufficient to determine the role of this variant in disease. Therefore, it has been classified as a Variant of Uncertain Significance.